The following is an entry in ClinVar:

ClinVar aggregate classification (germline): Conflicting classifications of pathogenicity. Review status: criteria provided, conflicting classifications (1 of 4 stars). 8 submissions from 8 submitters: Uncertain significance (1); Benign (4); Likely benign (2). 1 of the submissions does not count toward it. Last evaluated 2026-01-27.

Conditions:
MYO15A-related disorder. Also called: MYO15A-related condition.
Autosomal recessive nonsyndromic hearing loss 3. Also called: NEUROSENSORY NONSYNDROMIC RECESSIVE DEAFNESS 3. Identifiers: Orphanet 90636, MedGen C1838263, MONDO:0010860, OMIM 600316.

Allele frequency attached by ClinVar (database versions not stated): 1000 Genomes Project 0.00080; 1000 Genomes Project 30x 0.00109; TOPMed 0.00268; ESP Exome Variant Server 0.00331; ExAC 0.00399; gnomAD exomes 0.00439 and 0.00491; gnomAD 0.00443 and 0.00470.
gnomAD v4.1: 7,721 of 1,613,378 alleles (0.48%); highest among the groups gnomAD compares: Non-Finnish European, 0.53%; 27 homozygotes.

Submissions (8):

Labcorp Genetics (formerly Invitae), Labcorp
Classification: Benign. Last evaluated: 2026-01-27. Review status: criteria provided, single submitter. Criteria: Invitae Variant Classification Sherloc (09022015). Collection method: clinical testing. Allele origin: germline.

CeGaT Center for Human Genetics Tuebingen
Classification: Likely benign. Last evaluated: 2025-10-01. Review status: criteria provided, single submitter. Criteria: CeGaT Center For Human Genetics Tuebingen Variant Classification Criteria Version 2. Collection method: clinical testing. Allele origin: germline. Affected: yes. Observed: 4 variant alleles.
Comment: MYO15A: BP4, BS2

Blueprint Genetics
Classification: Likely benign. Last evaluated: 2024-11-27. Review status: criteria provided, single submitter. Criteria: ACMG Guidelines, 2015. Collection method: clinical testing. Allele origin: germline.

Mayo Clinic Laboratories, Mayo Clinic
Classification: Benign. Last evaluated: 2021-03-29. Review status: criteria provided, single submitter. Criteria: ACMG Guidelines, 2015. Collection method: clinical testing. Allele origin: germline. Observed: 3 variant alleles.

GeneDx
Classification: Benign. Last evaluated: 2019-07-11. Review status: criteria provided, single submitter. Criteria: GeneDx Variant Classification Process June 2021. Collection method: clinical testing. Allele origin: germline. Affected: yes.

Illumina Laboratory Services, Illumina
Classification: Uncertain significance for Autosomal recessive nonsyndromic hearing loss 3. Last evaluated: 2018-01-12. Review status: criteria provided, single submitter. Criteria: ICSL Variant Classification Criteria 13 December 2019. Collection method: clinical testing. Allele origin: germline.

Laboratory for Molecular Medicine, Mass General Brigham Personalized Medicine
Classification: Benign. Last evaluated: 2012-04-30. Review status: criteria provided, single submitter. Criteria: LMM Criteria. Collection method: clinical testing. Allele origin: germline. Observed: 15 variant alleles.
Comment: Gly2064Gly in Exon 29 of MYO15A: This variant is not expected to have clinical s ignificance because it does not alter an amino acid residue, is not located with in the splice consensus sequence, and has been identified in 0.5% (31/6884) of E uropean American chromosomes from a broad population by the NHLBI Exome Sequenci ng Project (dbSNP rs55688805).

PreventionGenetics, part of Exact Sciences
Classification: Benign for MYO15A-related condition. Last evaluated: 2019-04-22. Review status: no assertion criteria provided. Collection method: clinical testing. Allele origin: germline. Not counted in ClinVar's aggregate classification.
Comment: This variant is classified as benign based on ACMG/AMP sequence variant interpretation guidelines (Richards et al. 2015 PMID: 25741868, with internal and published modifications).

NM_016239.4(MYO15A):c.6192G>A (p.Gly2064=)

Gene: MYO15A (myosin XVA; plus strand). Cytogenetic location: 17p11.2.
Variant type: single nucleotide variant.
Coding change: c.6192G>A on transcript NM_016239.4 (MANE Select); coding-DNA position 6192, G replaced by A.
Protein change: p.Gly2064=; no amino-acid change (glycine 2064 retained).
Molecular consequence: synonymous variant.
Genome position (GRCh38, 1-based): chr17:18,144,511, G>A. VCF-style: chr17-18144511-G-A. GRCh37 (hg19) VCF-style: chr17-18047825-G-A.
Other names: p.Gly2064=.
Identifiers: ClinVar variation 178446 (VCV000178446.43), dbSNP rs55688805, ClinGen allele CA182350.
Genomic context (GRCh38, chr17:18,144,511, plus strand): 5'-CTGTCAGTCCAGCTCTGTCTGCTCATGTGCCTGCCCTGTGTCTTAGGAACCTGCCTTTGG[G>A]ATGCTGACAGTGCCCCTGAGGACACCCCTCACGCAGCTGCCAGCCGAGCACCATGCAGAA-3'
Protein context (NP_057323.3, residues 2054-2074): VQCHFKEPAF[Gly2064=]MLTVPLRTPL